The following is an entry in ClinVar:

NM_001555.5(IGSF1):c.2483G>A (p.Gly828Glu)

Gene: IGSF1 (immunoglobulin superfamily member 1; minus strand). Cytogenetic location: Xq26.1.
Variant type: single nucleotide variant.
Coding change: c.2483G>A on transcript NM_001555.5 (MANE Select); coding-DNA position 2483, G replaced by A.
Protein change: p.Gly828Glu; replaces glycine 828 with glutamic acid.
Molecular consequence: missense variant.
Genome position (GRCh38, 1-based): chrX:131,277,064, C>T on the plus strand (G>A on the coding strand, the complement: IGSF1 is on the minus strand). VCF-style: chrX-131277064-C-T. GRCh37 (hg19) VCF-style: chrX-130411038-C-T.
Other names: c.2498G>A, p.Gly833Glu (NM_001170961.2); c.2456G>A, p.Gly819Glu (NM_001170962.2); short protein forms G819E, G828E, G833E.
Identifiers: ClinVar variation 1706390 (VCV001706390.3), dbSNP rs771739503, ClinGen allele CA10517796.

ClinVar aggregate classification (germline): Uncertain significance (1 of 4 stars; one submission).

Allele frequency attached by ClinVar (database versions not stated): gnomAD exomes 0.00001; ExAC 0.00002.
gnomAD v4.1: 5 of 1,211,106 alleles (0.00041%); highest among the groups gnomAD compares: Admixed American, 0.0087%; no homozygotes.

Submission:

GeneDx
Classification: Uncertain significance. Last evaluated: 2023-02-17. Review status: criteria provided, single submitter. Criteria: GeneDx Variant Classification Process June 2021. Collection method: clinical testing. Allele origin: germline.
Comment: In silico analysis supports that this missense variant does not alter protein structure/function; Has not been previously published as pathogenic or benign to our knowledge